The following is an entry in ClinVar:

NM_003072.5(SMARCA4):c.79A>G (p.Met27Val)

Gene: SMARCA4 (SWI/SNF related BAF chromatin remodeling complex subunit ATPase 4; plus strand). Cytogenetic location: 19p13.2.
Variant type: single nucleotide variant.
Coding change: c.79A>G on transcript NM_003072.5 (MANE Select); coding-DNA position 79, A replaced by G.
Protein change: p.Met27Val; replaces methionine 27 with valine.
Molecular consequence: missense variant. On other transcripts: non-coding transcript variant (1).
Genome position (GRCh38, 1-based): chr19:10,984,230, A>G. VCF-style: chr19-10984230-A-G. GRCh37 (hg19) VCF-style: chr19-11094906-A-G.
Other names: c.79A>G, p.Met27Val (NM_001128844.3, NM_001128845.2, NM_001128846.2 and 5 more transcripts); short protein forms M27V.
Identifiers: ClinVar variation 408709 (VCV000408709.22), dbSNP rs768328175, ClinGen allele CA9203393.

ClinVar aggregate classification (germline): Conflicting classifications of pathogenicity. Review status: criteria provided, conflicting classifications (1 of 4 stars). 6 submissions from 6 submitters: Uncertain significance (5); Likely benign (1). Last evaluated 2026-06-08.

Conditions:
SMARCA4-related disorder. Also called: SMARCA4-related condition.
Hereditary cancer-predisposing syndrome. Also called: Neoplastic Syndromes, Hereditary; Tumor predisposition; Hereditary Cancer Syndrome; Hereditary neoplastic syndrome. Identifiers: Orphanet 140162, MedGen C0027672, MeSH D009386, MONDO:0015356.
Intellectual disability, autosomal dominant 16 (CSS4). Also called: COFFIN-SIRIS SYNDROME 4. Identifiers: Orphanet 1465, MedGen C3553249, MONDO:0013821, OMIM 614609.
Rhabdoid tumor predisposition syndrome 2 (RTPS2). Identifiers: Orphanet 231108, Orphanet 69077, MedGen C2750074, MONDO:0013224, OMIM 613325.

Allele frequency attached by ClinVar (database versions not stated): gnomAD exomes below 0.00001 and 0.00001; ExAC 0.00001; TOPMed 0.00005; gnomAD 0.00006.
gnomAD v4.1: 14 of 1,612,646 alleles (0.00087%); highest among the groups gnomAD compares: African/African-American, 0.017%; no homozygotes.

Submissions (6):

PreventionGenetics, part of Exact Sciences
Classification: Uncertain significance for SMARCA4-related condition. Last evaluated: 2026-06-08. Review status: criteria provided, single submitter. Criteria: ACMG Guidelines, 2015. Collection method: clinical testing. Allele origin: germline.
Comment: The SMARCA4 c.79A>G variant is predicted to result in the amino acid substitution p.Met27Val. To our knowledge, this variant has not been reported in the literature. This variant is reported in 0.021% of alleles in individuals of African descent in gnomAD and has conflicting interpretations regarding its pathogenicity in ClinVar ranging from uncertain significance to likely benign (Variation ID: 408709). At this time, the clinical significance of this variant is uncertain due to the absence of conclusive functional and genetic evidence.

Labcorp Genetics (formerly Invitae), Labcorp
Classification: Uncertain significance for Rhabdoid tumor predisposition syndrome 2. Last evaluated: 2026-01-11. Review status: criteria provided, single submitter. Criteria: Invitae Variant Classification Sherloc (09022015). Collection method: clinical testing. Allele origin: germline.
Comment: This sequence change replaces methionine, which is neutral and non-polar, with valine, which is neutral and non-polar, at codon 27 of the SMARCA4 protein (p.Met27Val). This variant is present in population databases (rs768328175, gnomAD 0.02%). This variant has not been reported in the literature in individuals affected with SMARCA4-related conditions. ClinVar contains an entry for this variant (Variation ID: 408709). Invitae Evidence Modeling of protein sequence and biophysical properties (such as structural, functional, and spatial information, amino acid conservation, physicochemical variation, residue mobility, and thermodynamic stability) indicates that this missense variant is not expected to disrupt SMARCA4 protein function with a negative predictive value of 95%. In summary, the available evidence is currently insufficient to determine the role of this variant in disease. Therefore, it has been classified as a Variant of Uncertain Significance.

Ambry Genetics
Classification: Likely benign for Hereditary cancer-predisposing syndrome. Last evaluated: 2023-10-10. Review status: criteria provided, single submitter. Criteria: Ambry Variant Classification Scheme 2023. Collection method: clinical testing. Allele origin: germline.

Quest Diagnostics Nichols Institute San Juan Capistrano
Classification: Uncertain significance. Last evaluated: 2023-05-04. Review status: criteria provided, single submitter. Criteria: Quest Diagnostics criteria. Collection method: clinical testing. Allele origin: unknown.
Comment: To the best of our knowledge, the variant has not been reported in the published literature. The frequency of this variant in the general population, 0.00021 (5/23788 chromosomes in African/African American subpopulation), is higher than would generally be expected for pathogenic variants in this gene. Analysis of this variant using bioinformatics tools for the prediction of the effect of amino acid changes on protein structure and function yielded predictions that this variant is benign. Based on the available information, we are unable to determine the clinical significance of this variant.

GeneDx
Classification: Uncertain significance. Last evaluated: 2023-01-06. Review status: criteria provided, single submitter. Criteria: GeneDx Variant Classification Process June 2021. Collection method: clinical testing. Allele origin: germline. Affected: yes.
Comment: Has not been previously published as pathogenic or benign to our knowledge; In silico analysis supports that this missense variant does not alter protein structure/function

Genome-Nilou Lab
Classification: Uncertain significance for Intellectual disability, autosomal dominant 16. Last evaluated: 2021-07-15. Review status: criteria provided, single submitter. Criteria: ACMG Guidelines, 2015. Collection method: clinical testing. Allele origin: germline. Affected: no.